The following is an entry in ClinVar:

ClinVar aggregate classification (germline): Conflicting classifications of pathogenicity. Review status: criteria provided, conflicting classifications (1 of 4 stars). 2 submissions from 2 submitters: Likely pathogenic (1); Uncertain significance (1). Last evaluated 2021-07-09.

Conditions:
UMOD-related disorder. Also called: UMOD-related condition.

Submissions (2):

Labcorp Genetics (formerly Invitae), Labcorp
Classification: Uncertain significance. Last evaluated: 2021-07-09. Review status: criteria provided, single submitter. Criteria: Invitae Variant Classification Sherloc (09022015). Collection method: clinical testing. Allele origin: germline.
Comment: This sequence change replaces cysteine with serine at codon 300 of the UMOD protein (p.Cys300Ser). The cysteine residue is moderately conserved and there is a moderate physicochemical difference between cysteine and serine. This variant is not present in population databases (ExAC no frequency). This variant has not been reported in the literature in individuals affected with UMOD-related conditions. Algorithms developed to predict the effect of missense changes on protein structure and function are either unavailable or do not agree on the potential impact of this missense change (SIFT: "Deleterious"; PolyPhen-2: "Probably Damaging"; Align-GVGD: "Class C0"). This variant disrupts the p.Cys300 amino acid residue in UMOD. Other variant(s) that disrupt this residue have been observed in individuals with UMOD-related conditions (PMID: 12629136, 15844001), which suggests that this may be a clinically significant amino acid residue. In summary, the available evidence is currently insufficient to determine the role of this variant in disease. Therefore, it has been classified as a Variant of Uncertain Significance.

Blueprint Genetics
Classification: Likely pathogenic for UMOD-related disorders. Last evaluated: 2018-08-21. Review status: criteria provided, single submitter. Criteria: ACMG Guidelines, 2015. Collection method: clinical testing. Allele origin: germline. Affected: yes. Observed: 1 variant allele.

Literature cited by the submitters: PubMed 12629136 (cited by Labcorp Genetics (formerly Invitae), Labcorp); PubMed 15844001 (cited by Labcorp Genetics (formerly Invitae), Labcorp).

NM_003361.4(UMOD):c.898T>A (p.Cys300Ser)

Gene: UMOD (uromodulin; minus strand). Cytogenetic location: 16p12.3.
Variant type: single nucleotide variant.
Coding change: c.898T>A on transcript NM_003361.4 (MANE Select); coding-DNA position 898, T replaced by A.
Protein change: p.Cys300Ser; replaces cysteine 300 with serine.
Molecular consequence: missense variant. On other transcripts: non-coding transcript variant (1).
Genome position (GRCh38, 1-based): chr16:20,348,298, A>T on the plus strand (T>A on the coding strand, the complement: UMOD is on the minus strand). VCF-style: chr16-20348298-A-T. GRCh37 (hg19) VCF-style: chr16-20359620-A-T.
Other names: c.898T>A, p.Cys300Ser (NM_001008389.3, NM_001378232.1, NM_001378233.1 and 3 more transcripts); c.997T>A, p.Cys333Ser (NM_001278614.2); short protein forms C300S, C333S.
Identifiers: ClinVar variation 1348894 (VCV001348894.9), dbSNP rs121917772, ClinGen allele CA394983878.
Genomic context (GRCh38, chr16:20,348,298, plus strand): 5'-CCTGTTTGCACTGGCAGTGCCATCTGCCATTATTCGATTTGCAGTCCTCGTCTATACTGC[A>T]CTCCTCACACGTCCCCTCCACGGAGCTGGGGTCTGCAGGGTCACAGGGACAGACAGACAA-3'
Protein context (NP_003352.2, residues 290-310): PSSVEGTCEE[Cys300Ser]SIDEDCKSNN